The following is an entry in ClinVar:

NM_001256317.3(TMPRSS3):c.47G>A (p.Arg16Gln)

Gene: TMPRSS3 (transmembrane serine protease 3; minus strand). Cytogenetic location: 21q22.3.
Variant type: single nucleotide variant.
Coding change: c.47G>A on transcript NM_001256317.3 (MANE Select); coding-DNA position 47, G replaced by A.
Protein change: p.Arg16Gln; replaces arginine 16 with glutamine.
Molecular consequence: missense variant.
Genome position (GRCh38, 1-based): chr21:42,395,371, C>T on the plus strand (G>A on the coding strand, the complement: TMPRSS3 is on the minus strand). VCF-style: chr21-42395371-C-T. GRCh37 (hg19) VCF-style: chr21-43815480-C-T.
Other names: c.47G>A, p.Arg16Gln (NM_024022.4, NM_032405.2); short protein forms R16Q.
Identifiers: ClinVar variation 440338 (VCV000440338.12), dbSNP rs369418733, ClinGen allele CA10042776.

ClinVar aggregate classification (germline): Uncertain significance. Review status: criteria provided, multiple submitters, no conflicts (2 of 4 stars). 2 submissions from 2 submitters: Uncertain significance (2). Last evaluated 2025-06-24.

Allele frequency attached by ClinVar (database versions not stated): ESP Exome Variant Server 0.00008; gnomAD 0.00013.
gnomAD v4.1: 76 of 1,613,990 alleles (0.0047%); highest among the groups gnomAD compares: African/African-American, 0.048%; no homozygotes.

Submissions (2):

GeneDx
Classification: Uncertain significance. Last evaluated: 2025-06-24. Review status: criteria provided, single submitter. Criteria: GeneDx Variant Classification Process June 2021. Collection method: clinical testing. Allele origin: germline. Affected: yes.
Comment: In silico analysis suggests that this missense variant does not alter protein structure/function; Has not been previously published as pathogenic or benign to our knowledge

ARUP Laboratories, Molecular Genetics and Genomics, ARUP Laboratories
Classification: Uncertain significance. Last evaluated: 2016-12-06. Review status: criteria provided, single submitter. Criteria: ARUP Molecular Germline Variant Investigation Process. Collection method: clinical testing. Allele origin: germline.